The following is an entry in ClinVar:

NM_152618.3(BBS12):c.1663_1667del (p.Glu555fs)

Gene: BBS12 (Bardet-Biedl syndrome 12; plus strand). Cytogenetic location: 4q27.
Variant type: Deletion.
Coding change: c.1663_1667del on transcript NM_152618.3 (MANE Select); coding-DNA positions 1663 to 1667, 5 bases deleted (GAGCA; older notation c.1663_1667delGAGCA).
Protein change: p.Glu555fs; shifts the reading frame from glutamic acid 555.
Molecular consequence: frameshift variant.
Genome position (GRCh38, 1-based): chr4:122,743,555-122,743,559, GAGCA deleted; deleting any 5 consecutive bases within chr4:122,743,552-122,743,559 gives the same sequence; the c. name uses the placement nearest the transcript's 3' end. VCF-style (leftmost placement, unchanged base first): chr4-122743551-TGCAGA-T. GRCh37 (hg19) VCF-style: chr4-123664706-TGCAGA-T.
Other names: c.1663_1667del, p.Glu555fs (NM_001178007.2); c.1663_1667delGAGCA (NM_152618.2); c.1663_1667del5 (NM_152618.2); short protein forms E555fs.
Identifiers: ClinVar variation 1071069 (VCV001071069.10), dbSNP rs2150737598, ClinGen allele CA2499217076.

ClinVar aggregate classification (germline): Pathogenic/Likely pathogenic. Review status: criteria provided, multiple submitters, no conflicts (2 of 4 stars). 4 submissions from 4 submitters: Pathogenic (1); Likely pathogenic (3). Last evaluated 2026-07-08.

Conditions:
Bardet-Biedl syndrome (BBS). Identifiers: Orphanet 110, MedGen C0752166, MONDO:0015229.
BBS12-related disorder. Also called: BBS12-related condition.
Bardet-Biedl syndrome 12 (BBS12). Identifiers: Orphanet 110, MedGen C1859570, MONDO:0014440, OMIM 615989.

Submissions (4):

PreventionGenetics, part of Exact Sciences
Classification: Likely pathogenic for BBS12-related condition. Last evaluated: 2026-07-08. Review status: criteria provided, single submitter. Criteria: ACMG Guidelines, 2015. Collection method: clinical testing. Allele origin: germline.
Comment: The BBS12 c.1663_1667del5 variant is predicted to result in a frameshift and premature protein termination (p.Glu555Ilefs*15). To our knowledge, this variant has not been reported in the literature or in a large population database (gnomAD), indicating this variant is rare. Frameshift variants in BBS12 are expected to be pathogenic. This variant is interpreted as likely pathogenic.

Natera, Inc.
Classification: Likely pathogenic for Bardet-Biedl syndrome type 12. Last evaluated: 2025-03-18. Review status: criteria provided, single submitter. Criteria: Natera Variant Classification Schema (03/2026). Collection method: clinical testing. Allele origin: germline.
Comment: The c.1663_1667delGAGCA variant in BBS12 is a frameshift variant predicted to shift the reading frame beginning at codon 555 and leads to a stop codon 15 codons downstream. This variant is expected to result in nonsense mediated decay, truncation, or a dysfunctional protein product. This variant is rare in the general population with a frequency below the threshold expected for the associated phenotype(s). Given the available evidence, this variant is classified as Likely Pathogenic.

Labcorp Genetics (formerly Invitae), Labcorp
Classification: Pathogenic for Bardet-Biedl syndrome. Last evaluated: 2022-10-07. Review status: criteria provided, single submitter. Criteria: Invitae Variant Classification Sherloc (09022015). Collection method: clinical testing. Allele origin: germline.
Comment: For these reasons, this variant has been classified as Pathogenic. This variant disrupts a region of the BBS12 protein in which other variant(s) (p.Asp687Valfs*3) have been determined to be pathogenic (Invitae). This suggests that this is a clinically significant region of the protein, and that variants that disrupt it are likely to be disease-causing. ClinVar contains an entry for this variant (Variation ID: 1071069). This variant has not been reported in the literature in individuals affected with BBS12-related conditions. This variant is not present in population databases (gnomAD no frequency). This sequence change creates a premature translational stop signal (p.Glu555Ilefs*15) in the BBS12 gene. While this is not anticipated to result in nonsense mediated decay, it is expected to disrupt the last 156 amino acid(s) of the BBS12 protein.

Fulgent Genetics
Classification: Likely pathogenic for Bardet-Biedl syndrome 12. Last evaluated: 2021-08-05. Review status: criteria provided, single submitter. Criteria: ACMG Guidelines, 2015. Collection method: clinical testing. Allele origin: unknown.